The following is an entry in ClinVar:

NM_015650.4(TRAF3IP1):c.574C>A (p.Arg192Ser)

Gene: TRAF3IP1 (TRAF3 interacting protein 1; plus strand). Cytogenetic location: 2q37.3.
Variant type: single nucleotide variant.
Coding change: c.574C>A on transcript NM_015650.4 (MANE Select); coding-DNA position 574, C replaced by A.
Protein change: p.Arg192Ser; replaces arginine 192 with serine.
Molecular consequence: missense variant.
Genome position (GRCh38, 1-based): chr2:238,329,001, C>A. VCF-style: chr2-238329001-C-A. GRCh37 (hg19) VCF-style: chr2-239237642-C-A.
Other names: c.574C>A (NM_015650.3); c.574C>A, p.Arg192Ser (NM_001139490.1); short protein forms R192S.
Identifiers: ClinVar variation 2008342 (VCV002008342.5), dbSNP rs771700832, ClinGen allele CA351244417.
Genomic context (GRCh38, chr2:238,329,001, plus strand): 5'-GAAATAAAAGAGAGAAGTACAAGCAGAGATCGAAAACAGAAGGAAGAATTGAAAGAAGAC[C>A]GCAAGCCAAGAGAAAAGGACAAGGACAAGGAGAAGGCCAAGGAGAATGGCGGAAACAGAC-3'
Protein context (NP_056465.2, residues 182-202): RKQKEELKED[Arg192Ser]KPREKDKDKE

ClinVar aggregate classification (germline): Conflicting classifications of pathogenicity. Review status: criteria provided, conflicting classifications (1 of 4 stars). 2 submissions from 2 submitters: Uncertain significance (1); Likely benign (1). Last evaluated 2025-03-17.

Conditions:
Inborn genetic diseases. Identifiers: MedGen C0950123, MeSH D030342.

Submissions (2):

Labcorp Genetics (formerly Invitae), Labcorp
Classification: Uncertain significance. Last evaluated: 2025-03-17. Review status: criteria provided, single submitter. Criteria: Invitae Variant Classification Sherloc (09022015). Collection method: clinical testing. Allele origin: germline.
Comment: This sequence change replaces arginine, which is basic and polar, with serine, which is neutral and polar, at codon 192 of the TRAF3IP1 protein (p.Arg192Ser). This variant is not present in population databases (gnomAD no frequency). This variant has not been reported in the literature in individuals affected with TRAF3IP1-related conditions. ClinVar contains an entry for this variant (Variation ID: 2008342). Invitae Evidence Modeling of protein sequence and biophysical properties (such as structural, functional, and spatial information, amino acid conservation, physicochemical variation, residue mobility, and thermodynamic stability) indicates that this missense variant is not expected to disrupt TRAF3IP1 protein function with a negative predictive value of 80%. In summary, the available evidence is currently insufficient to determine the role of this variant in disease. Therefore, it has been classified as a Variant of Uncertain Significance.

Ambry Genetics
Classification: Likely benign for Inborn genetic diseases. Last evaluated: 2024-10-09. Review status: criteria provided, single submitter. Criteria: Ambry Variant Classification Scheme 2023. Collection method: clinical testing. Allele origin: germline.